The following is an entry in ClinVar:

ClinVar aggregate classification (germline): Uncertain significance (1 of 4 stars; one submission).

Conditions:
Fanconi anemia complementation group O. Also called: RAD51C-Related Fanconi Anemia. Identifiers: Orphanet 84, MedGen C3150653, MONDO:0013248, OMIM 613390.

Submission:

Labcorp Genetics (formerly Invitae), Labcorp
Classification: Uncertain significance for Fanconi anemia complementation group O. Last evaluated: 2022-06-19. Review status: criteria provided, single submitter. Criteria: Invitae Variant Classification Sherloc (09022015). Collection method: clinical testing. Allele origin: germline.
Comment: In summary, the available evidence is currently insufficient to determine the role of this variant in disease. Therefore, it has been classified as a Variant of Uncertain Significance. Algorithms developed to predict the effect of missense changes on protein structure and function (SIFT, PolyPhen-2, Align-GVGD) all suggest that this variant is likely to be tolerated. This variant has not been reported in the literature in individuals affected with RAD51C-related conditions. This variant is not present in population databases (gnomAD no frequency). This sequence change replaces leucine, which is neutral and non-polar, with valine, which is neutral and non-polar, at codon 220 of the RAD51C protein (p.Leu220Val).

NM_058216.3(RAD51C):c.658C>G (p.Leu220Val)

Genes: RAD51C (RAD51 paralog C; plus strand), LOC129390903 (MPRA-validated peak2919 silencer; plus strand). Cytogenetic location: 17q22.
Variant type: single nucleotide variant.
Coding change: c.658C>G on transcript NM_058216.3 (MANE Select); coding-DNA position 658, C replaced by G.
Protein change: p.Leu220Val; replaces leucine 220 with valine.
Molecular consequence: missense variant. On other transcripts: non-coding transcript variant (1).
Genome position (GRCh38, 1-based): chr17:58,703,282, C>G. VCF-style: chr17-58703282-C-G. GRCh37 (hg19) VCF-style: chr17-56780643-C-G.
Other names: c.*86C>G (NM_058217.1); short protein forms L220V.
Identifiers: ClinVar variation 2008568 (VCV002008568.4), dbSNP rs1555597205, ClinGen allele CA400349771.